The following is an entry in ClinVar:

ClinVar aggregate classification (germline): Likely benign. Review status: criteria provided, multiple submitters, no conflicts (2 of 4 stars). 3 submissions from 3 submitters: Likely benign (2). 1 of the submissions does not count toward it. Last evaluated 2026-01-09.

Conditions:
Epidermolysis bullosa, junctional 7, with interstitial lung disease and nephrotic syndrome. Also called: Interstitial Lung Disease with Nephrotic Syndrome and Epidermolysis Bullosa; Interstitial lung disease, nephrotic syndrome, and epidermolysis bullosa, congenital. Identifiers: Orphanet 306504, MedGen C4518785, MONDO:0013881, OMIM 614748.
ITGA3-related disorder. Also called: ITGA3-related condition.

Allele frequency attached by ClinVar (database versions not stated): TOPMed 0.00042; 1000 Genomes Project 30x 0.00047; 1000 Genomes Project 0.00060; gnomAD exomes 0.00007 and 0.00014; ExAC 0.00018; ESP Exome Variant Server 0.00023; gnomAD 0.00036 and 0.00039.
gnomAD v4.1: 165 of 1,612,554 alleles (0.01%); highest among the groups gnomAD compares: African/African-American, 0.15%; no homozygotes.

Submissions (3):

Labcorp Genetics (formerly Invitae), Labcorp
Classification: Likely benign. Last evaluated: 2026-01-09. Review status: criteria provided, single submitter. Criteria: Invitae Variant Classification Sherloc (09022015). Collection method: clinical testing. Allele origin: germline.

Fulgent Genetics
Classification: Likely benign for Epidermolysis bullosa, junctional 7, with interstitial lung disease and nephrotic syndrome. Last evaluated: 2021-07-26. Review status: criteria provided, single submitter. Criteria: ACMG Guidelines, 2015. Collection method: clinical testing. Allele origin: unknown.

PreventionGenetics, part of Exact Sciences
Classification: Likely benign for ITGA3-related condition. Last evaluated: 2020-06-22. Review status: no assertion criteria provided. Collection method: clinical testing. Allele origin: germline. Not counted in ClinVar's aggregate classification.
Comment: This variant is classified as likely benign based on ACMG/AMP sequence variant interpretation guidelines (Richards et al. 2015 PMID: 25741868, with internal and published modifications).

NM_002204.4(ITGA3):c.234C>T (p.Leu78=)

Gene: ITGA3 (integrin subunit alpha 3; plus strand). Cytogenetic location: 17q21.33.
Variant type: single nucleotide variant.
Coding change: c.234C>T on transcript NM_002204.4 (MANE Select); coding-DNA position 234, C replaced by T.
Protein change: p.Leu78=; no amino-acid change (leucine 78 retained).
Molecular consequence: synonymous variant.
Genome position (GRCh38, 1-based): chr17:50,064,104, C>T. VCF-style: chr17-50064104-C-T. GRCh37 (hg19) VCF-style: chr17-48141468-C-T.
Other names: c.234C>T (NM_002204.3).
Identifiers: ClinVar variation 1539287 (VCV001539287.11), dbSNP rs112180126, ClinGen allele CA8641183.